The following is an entry in ClinVar:

NM_000268.4(NF2):c.1601A>C (p.His534Pro)

Gene: NF2 (NF2, moesin-ezrin-radixin like (MERLIN) tumor suppressor; plus strand). Cytogenetic location: 22q12.2.
Variant type: single nucleotide variant.
Coding change: c.1601A>C on transcript NM_000268.4 (MANE Select); coding-DNA position 1601, A replaced by C.
Protein change: p.His534Pro; replaces histidine 534 with proline.
Molecular consequence: missense variant. On other transcripts: intron variant (3).
Genome position (GRCh38, 1-based): chr22:29,681,465, A>C. VCF-style: chr22-29681465-A-C. GRCh37 (hg19) VCF-style: chr22-30077454-A-C.
Other names: c.1352A>C, p.His451Pro (NM_001407063.1, NM_181830.3, NM_181831.3); c.1067A>C, p.His356Pro (NM_001407065.1); c.1475A>C, p.His492Pro (NM_181828.3, NM_001407055.1); c.1478A>C, p.His493Pro (NM_181829.3, NM_001407054.1, NM_001407058.1); c.1601A>C, p.His534Pro (NM_181832.3, NM_001407066.1, NM_016418.5 and 1 more transcripts); c.1370A>C, p.His457Pro (NM_001407067.1); c.1574+3142A>C (NM_001407060.1); c.448-13287A>C (NM_181833.3); and 4 more; short protein forms H356P, H448P, H451P, H457P, H489P, H492P, H493P, H496P.
Identifiers: ClinVar variation 4855720 (VCV004855720.1).

ClinVar aggregate classification (germline): Uncertain significance (1 of 4 stars; one submission).

Conditions:
Neurofibromatosis, type 2 (SWNV). Also called: SCHWANNOMATOSIS, VESTIBULAR; BILATERAL ACOUSTIC NEUROFIBROMATOSIS; NF2-Related Schwannomatosis. Identifiers: Orphanet 637, MedGen C0027832, MONDO:0007039, OMIM 101000. Disease mechanism: loss of function.

Submission:

3billion
Classification: Uncertain significance for Neurofibromatosis, type 2. Last evaluated: 2025-12-14. Review status: criteria provided, single submitter. Criteria: ACMG Guidelines, 2015. Collection method: clinical testing. Allele origin: germline. Affected: yes.
Comment: The variant is not observed in the gnomAD v4.1.0 dataset. Predicted Consequence/Location: Missense variant. In silico tool predictions suggest damaging effect of the variant on gene or gene product [REVEL: 0.68 (>=0.6, sensitivity 0.68 and specificity 0.92); 3Cnet: 0.03 (> 0.75, sensitivity 0.96 and precision 0.92)]. Different missense changes at the same codon have been reported as of uncertain significance (ClinVar ID: VCV000854568, VCV001431398). Therefore, this variant is classified as VUS according to the recommendation of ACMG/AMP guideline.